The following is an entry in ClinVar:

ClinVar aggregate classification (germline): Benign/Likely benign. Review status: criteria provided, multiple submitters, no conflicts (2 of 4 stars). 14 submissions from 13 submitters: Benign (7); Likely benign (5). 2 of the submissions do not count toward it. Last evaluated 2025-11-18.

Conditions:
MYBPC3-related disorder. Also called: MYBPC3-related condition; MYBPC3-related disease; MYBPC3-related disorders.
Cardiovascular phenotype. Identifiers: MedGen CN230736.
Left ventricular noncompaction 10 (LVNC10). Identifiers: Orphanet 154, Orphanet 54260, MedGen C3715165, MONDO:0014163, OMIM 615396.
Cardiomyopathy (CMYO). Also called: Cardiomyopathies. Identifiers: Orphanet 167848, MedGen C0878544, MONDO:0004994, HP:0001638. Inheritance: Various modes of inheritance.
Hypertrophic cardiomyopathy 4. Also called: Familial hypertrophic cardiomyopathy 4. Identifiers: MedGen C1861862, MONDO:0007268, OMIM 115197.
Hypertrophic cardiomyopathy. Also called: HYPERTROPHIC MYOCARDIOPATHY. Identifiers: Orphanet 217569, MedGen C0007194, MeSH D002312, MONDO:0005045, HP:0001639.

Allele frequency attached by ClinVar (database versions not stated): TOPMed 0.00001; 1000 Genomes Project 30x 0.00141; 1000 Genomes Project 0.00160.
gnomAD v4.1: 547 of 1,612,292 alleles (0.034%); highest among the groups gnomAD compares: South Asian, 0.58%; 5 homozygotes.

Submissions (14):

Labcorp Genetics (formerly Invitae), Labcorp
Classification: Benign for Hypertrophic cardiomyopathy. Last evaluated: 2025-11-18. Review status: criteria provided, single submitter. Criteria: Invitae Variant Classification Sherloc (09022015). Collection method: clinical testing. Allele origin: germline.

Women's Health and Genetics/Laboratory Corporation of America, LabCorp
Classification: Likely benign. Last evaluated: 2024-12-06. Review status: criteria provided, single submitter. Criteria: LabCorp Variant Classification Summary - May 2015. Collection method: clinical testing. Allele origin: germline.

Blueprint Genetics
Classification: Likely benign. Last evaluated: 2024-11-07. Review status: criteria provided, single submitter. Criteria: ACMG Guidelines, 2015. Collection method: clinical testing. Allele origin: germline.

All of Us Research Program, National Institutes of Health
Classification: Benign for Hypertrophic cardiomyopathy. Last evaluated: 2024-01-11. Review status: criteria provided, single submitter. Criteria: ACMG Guidelines, 2015. Collection method: clinical testing. Allele origin: germline. Inheritance: Autosomal dominant inheritance. Observed: 19 variant alleles, 19 heterozygotes.
Comment: This study involves interpretation of variants in research participants for the purpose of population health screening. Participant phenotype was not available at the time of variant classification. Additional details can be found in publication PMID: 35346344, PMCID: PMC8962531

Ambry Genetics
Classification: Likely benign for Cardiovascular phenotype. Last evaluated: 2019-06-06. Review status: criteria provided, single submitter. Criteria: Ambry Variant Classification Scheme 2023. Collection method: clinical testing. Allele origin: germline.

Color Diagnostics, LLC DBA Color Health
Classification: Benign for Cardiomyopathy. Last evaluated: 2018-04-07. Review status: criteria provided, single submitter. Criteria: ACMG Guidelines, 2015. Collection method: clinical testing. Allele origin: germline.

Illumina Laboratory Services, Illumina
Classification: Benign for Left ventricular noncompaction 10. Last evaluated: 2018-01-13. Review status: criteria provided, single submitter. Criteria: ICSL Variant Classification Criteria 13 December 2019. Collection method: clinical testing. Allele origin: germline.
Comment: This variant was observed in the ICSL laboratory as part of a predisposition screen in an ostensibly healthy population. It had not been previously curated by ICSL or reported in the Human Gene Mutation Database (HGMD: prior to June 1st, 2018), and was therefore a candidate for classification through an automated scoring system. Utilizing variant allele frequency, disease prevalence and penetrance estimates, and inheritance mode, an automated score was calculated to assess if this variant is too frequent to cause the disease. Based on the score and internal cut-off values, a variant classified as benign is not then subjected to further curation. The score for this variant resulted in a classification of benign for this disease.

Illumina Laboratory Services, Illumina
Classification: Likely benign for Hypertrophic cardiomyopathy 4. Last evaluated: 2018-01-13. Review status: criteria provided, single submitter. Criteria: ICSL Variant Classification Criteria 13 December 2019. Collection method: clinical testing. Allele origin: germline.
Comment: This variant was observed in the ICSL laboratory as part of a predisposition screen in an ostensibly healthy population. It had not been previously curated by ICSL or reported in the Human Gene Mutation Database (HGMD: prior to June 1st, 2018), and was therefore a candidate for classification through an automated scoring system. Utilizing variant allele frequency, disease prevalence and penetrance estimates, and inheritance mode, an automated score was calculated to assess if this variant is too frequent to cause the disease. Based on the score and internal cut-off values, a variant classified as likely benign is not then subjected to further curation. The score for this variant resulted in a classification of likely benign for this disease.

Clinical Genetics DNA and cytogenetics Diagnostics Lab, Erasmus MC, Erasmus Medical Center
Classification: Likely benign for Hypertrophic cardiomyopathy 4. Last evaluated: 2017-06-28. Review status: criteria provided, single submitter. Criteria: ACGS Guidelines, 2013. Collection method: clinical testing. Allele origin: germline. Affected: yes. Study: VKGL Data-share Consensus.

Genome Diagnostics Laboratory, University Medical Center Utrecht
Classification: Benign for Hypertrophic cardiomyopathy 4. Last evaluated: 2017-04-25. Review status: criteria provided, single submitter. Criteria: ACGS Guidelines, 2013. Collection method: clinical testing. Allele origin: germline. Affected: yes. Study: VKGL Data-share Consensus.

Laboratory for Molecular Medicine, Mass General Brigham Personalized Medicine
Classification: Benign. Last evaluated: 2015-06-19. Review status: criteria provided, single submitter. Criteria: LMM Criteria. Collection method: clinical testing. Allele origin: germline. Observed: 5 variant alleles.
Comment: p.Pro186Pro in exon 5 of MYBPC3: This variant is not expected to have clinical s ignificance because it does not alter an amino acid residue, is not located with in the splice consensus sequence, and has been identified in 0.7% (100/14728) of South Asian chromosomes by the Exome Aggregation Consortium (ExAC.; dbSNP rs370962887).

GeneDx
Classification: Benign. Last evaluated: 2015-03-03. Review status: criteria provided, single submitter. Criteria: GeneDx Variant Classification Process June 2021. Collection method: clinical testing. Allele origin: germline. Affected: yes.

PreventionGenetics, part of Exact Sciences
Classification: Likely benign for MYBPC3-related condition. Last evaluated: 2024-02-27. Review status: no assertion criteria provided. Collection method: clinical testing. Allele origin: germline. Not counted in ClinVar's aggregate classification.
Comment: This variant is classified as likely benign based on ACMG/AMP sequence variant interpretation guidelines (Richards et al. 2015 PMID: 25741868, with internal and published modifications).

Clinical Genetics, Academic Medical Center
Classification: Benign. Review status: no assertion criteria provided. Collection method: clinical testing. Allele origin: germline. Affected: yes. Study: VKGL Data-share Consensus. Not counted in ClinVar's aggregate classification.

NM_000256.3(MYBPC3):c.558G>T (p.Pro186=)

Gene: MYBPC3 (myosin binding protein C3; minus strand). Cytogenetic location: 11p11.2.
Variant type: single nucleotide variant.
Coding change: c.558G>T on transcript NM_000256.3 (MANE Select); coding-DNA position 558, G replaced by T.
Protein change: p.Pro186=; no amino-acid change (proline 186 retained).
Molecular consequence: synonymous variant.
Genome position (GRCh38, 1-based): chr11:47,349,870, C>A on the plus strand (G>T on the coding strand, the complement: MYBPC3 is on the minus strand). VCF-style: chr11-47349870-C-A. GRCh37 (hg19) VCF-style: chr11-47371421-C-A.
Identifiers: ClinVar variation 42772 (VCV000042772.31), dbSNP rs370962887, ClinGen allele CA015485.